The following is an entry in ClinVar:

NM_032776.3(JMJD1C):c.3769C>T (p.Pro1257Ser)

Gene: JMJD1C (jumonji domain containing 1C; minus strand). Cytogenetic location: 10q21.3.
Variant type: single nucleotide variant.
Coding change: c.3769C>T on transcript NM_032776.3 (MANE Select); coding-DNA position 3769, C replaced by T.
Protein change: p.Pro1257Ser; replaces proline 1257 with serine.
Molecular consequence: missense variant. On other transcripts: non-coding transcript variant (1).
Genome position (GRCh38, 1-based): chr10:63,207,900, G>A on the plus strand (C>T on the coding strand, the complement: JMJD1C is on the minus strand). VCF-style: chr10-63207900-G-A. GRCh37 (hg19) VCF-style: chr10-64967660-G-A.
Other names: c.3223C>T, p.Pro1075Ser (NM_001282948.2, NM_001318154.2); c.2905C>T, p.Pro969Ser (NM_001318153.2); c.3655C>T, p.Pro1219Ser (NM_001322252.2); c.3112C>T, p.Pro1038Ser (NM_001322254.2, NM_001322258.2); short protein forms P1038S, P1219S, P1257S, P969S, P1075S.
Identifiers: ClinVar variation 1515775 (VCV001515775.8), dbSNP rs1846841222, ClinGen allele CA377040284.
Genomic context (GRCh38, chr10:63,207,900, plus strand): 5'-TCCACATCTCCGTCAAACTCTGTTCTGAAGAACTCTTAAAATTTGCCTGGGAGTCTTTTG[G>A]TTCGGGTATTAGAGTTGGAGGCTTCTGTGATTCTTGAACTTTACCACCAGCATTTACTGG-3'
Protein context (NP_116165.1, residues 1247-1267): SQKPPTLIPE[Pro1257Ser]KDSQANFKSS

ClinVar aggregate classification (germline): Uncertain significance (1 of 4 stars; one submission).

Conditions:
Early Myoclonic Encephalopathy. Identifiers: MedGen C0270855.

Allele frequency attached by ClinVar (database versions not stated): gnomAD 0.00001.

Submission:

Labcorp Genetics (formerly Invitae), Labcorp
Classification: Uncertain significance for Early Myoclonic Encephalopathy. Last evaluated: 2022-10-14. Review status: criteria provided, single submitter. Criteria: Invitae Variant Classification Sherloc (09022015). Collection method: clinical testing. Allele origin: germline.
Comment: In summary, the available evidence is currently insufficient to determine the role of this variant in disease. Therefore, it has been classified as a Variant of Uncertain Significance. Advanced modeling of protein sequence and biophysical properties (such as structural, functional, and spatial information, amino acid conservation, physicochemical variation, residue mobility, and thermodynamic stability) has been performed at Invitae for this missense variant, however the output from this modeling did not meet the statistical confidence thresholds required to predict the impact of this variant on JMJD1C protein function. ClinVar contains an entry for this variant (Variation ID: 1515775). This variant has not been reported in the literature in individuals affected with JMJD1C-related conditions. This variant is not present in population databases (gnomAD no frequency). This sequence change replaces proline, which is neutral and non-polar, with serine, which is neutral and polar, at codon 1257 of the JMJD1C protein (p.Pro1257Ser).